The following is an entry in ClinVar:

ClinVar aggregate classification (germline): Conflicting classifications of pathogenicity. Review status: criteria provided, conflicting classifications (1 of 4 stars). 2 submissions from 2 submitters: Uncertain significance (1); Likely benign (1). Last evaluated 2023-06-06.

Conditions:
Amelocerebrohypohidrotic syndrome (KTZS). Also called: EPILEPSY AND YELLOW TEETH; EPILEPSY, DEMENTIA, AND AMELOGENESIS IMPERFECTA; Kohlschutter's syndrome; KOHLSCHUTTER SYNDROME. Identifiers: Orphanet 1946, MedGen C0406740, MONDO:0009185, OMIM 226750.
Inborn genetic diseases. Identifiers: MedGen C0950123, MeSH D030342.

Allele frequency attached by ClinVar (database versions not stated): gnomAD 0.00001.

Submissions (2):

Ambry Genetics
Classification: Likely benign for Inborn genetic diseases. Last evaluated: 2023-06-06. Review status: criteria provided, single submitter. Criteria: Ambry Variant Classification Scheme 2023. Collection method: clinical testing. Allele origin: germline.

Labcorp Genetics (formerly Invitae), Labcorp
Classification: Uncertain significance for Amelocerebrohypohidrotic syndrome. Last evaluated: 2022-05-13. Review status: criteria provided, single submitter. Criteria: Invitae Variant Classification Sherloc (09022015). Collection method: clinical testing. Allele origin: germline.
Comment: This sequence change replaces serine, which is neutral and polar, with asparagine, which is neutral and polar, at codon 129 of the ROGDI protein (p.Ser129Asn). This variant is not present in population databases (gnomAD no frequency). This variant has not been reported in the literature in individuals affected with ROGDI-related conditions. Algorithms developed to predict the effect of missense changes on protein structure and function output the following: SIFT: "Tolerated"; PolyPhen-2: "Benign"; Align-GVGD: "Class C0". The asparagine amino acid residue is found in multiple mammalian species, which suggests that this missense change does not adversely affect protein function. In summary, the available evidence is currently insufficient to determine the role of this variant in disease. Therefore, it has been classified as a Variant of Uncertain Significance.

NM_024589.3(ROGDI):c.386G>A (p.Ser129Asn)

Gene: ROGDI (rogdi atypical leucine zipper; minus strand). Cytogenetic location: 16p13.3.
Variant type: single nucleotide variant.
Coding change: c.386G>A on transcript NM_024589.3 (MANE Select); coding-DNA position 386, G replaced by A.
Protein change: p.Ser129Asn; replaces serine 129 with asparagine.
Molecular consequence: missense variant. On other transcripts: non-coding transcript variant (1).
Genome position (GRCh38, 1-based): chr16:4,799,732, C>T on the plus strand (G>A on the coding strand, the complement: ROGDI is on the minus strand). VCF-style: chr16-4799732-C-T. GRCh37 (hg19) VCF-style: chr16-4849733-C-T.
Other names: c.386G>A (NM_024589.1); short protein forms S129N.
Identifiers: ClinVar variation 2421975 (VCV002421975.7), dbSNP rs2082694697, ClinGen allele CA394653365.